The following is an entry in ClinVar:

NM_020937.4(FANCM):c.1875T>G (p.Ser625Arg)

Gene: FANCM (FA complementation group M; plus strand). Cytogenetic location: 14q21.2.
Variant type: single nucleotide variant.
Coding change: c.1875T>G on transcript NM_020937.4 (MANE Select); coding-DNA position 1875, T replaced by G.
Protein change: p.Ser625Arg; replaces serine 625 with arginine.
Molecular consequence: missense variant.
Genome position (GRCh38, 1-based): chr14:45,167,036, T>G. VCF-style: chr14-45167036-T-G. GRCh37 (hg19) VCF-style: chr14-45636239-T-G.
Other names: c.1797T>G, p.Ser599Arg (NM_001308133.2); c.1875T>G, p.Ser625Arg (NM_001308134.2); short protein forms S599R, S625R.
Identifiers: ClinVar variation 4871168 (VCV004871168.1).

ClinVar aggregate classification (germline): Uncertain significance (1 of 4 stars; one submission).

Conditions:
Inborn genetic diseases. Identifiers: MedGen C0950123, MeSH D030342.

Submission:

Ambry Genetics
Classification: Uncertain significance for Inborn genetic diseases. Last evaluated: 2026-05-30. Review status: criteria provided, single submitter. Criteria: Ambry Variant Classification Scheme 2023. Collection method: clinical testing. Allele origin: germline.
Comment: The p.S625R variant (also known as c.1875T>G), located in coding exon 11 of the FANCM gene, results from a T to G substitution at nucleotide position 1875. The serine at codon 625 is replaced by arginine, an amino acid with dissimilar properties. This amino acid position is conserved. In addition, the in silico prediction for this alteration is inconclusive. Based on the available evidence, the clinical significance of this variant remains unclear.